The following is an entry in ClinVar:

NM_015404.4(WHRN):c.743C>T (p.Ser248Leu)

Gene: WHRN (whirlin; minus strand). Cytogenetic location: 9q32.
Variant type: single nucleotide variant.
Coding change: c.743C>T on transcript NM_015404.4 (MANE Select); coding-DNA position 743, C replaced by T.
Protein change: p.Ser248Leu; replaces serine 248 with leucine.
Molecular consequence: missense variant. On other transcripts: 5 prime UTR variant (1).
Genome position (GRCh38, 1-based): chr9:114,478,647, G>A on the plus strand (C>T on the coding strand, the complement: WHRN is on the minus strand). VCF-style: chr9-114478647-G-A. GRCh37 (hg19) VCF-style: chr9-117240927-G-A.
Other names: c.-407C>T (NM_001083885.3); c.743C>T, p.Ser248Leu (NM_001173425.2); short protein forms S248L.
Identifiers: ClinVar variation 1004838 (VCV001004838.6), dbSNP rs141863996, ClinGen allele CA5206208.
Genomic context (GRCh38, chr9:114,478,647, plus strand): 5'-GTGCTCCTCCGGTCACCCTCCTGCTGCCTCAGGGCACCACCGTGGGGCTGGGGCAGGCCC[G>A]AGGGTGGGGAGATGCTGCGGCCCTGCGGGTCCACCCAGGTGTAGATGTGGTTGGTGACGT-3'
Protein context (NP_056219.3, residues 238-258): DPQGRSISPP[Ser248Leu]GLPQPHGGAL

ClinVar aggregate classification (germline): Uncertain significance (1 of 4 stars; one submission).

Allele frequency attached by ClinVar (database versions not stated): gnomAD 0.00003 and 0.00004; TOPMed 0.00003; ExAC 0.00004; ESP Exome Variant Server 0.00008.
gnomAD v4.1: 66 of 1,613,500 alleles (0.0041%); highest among the groups gnomAD compares: Non-Finnish European, 0.0051%; no homozygotes.

Submission:

Labcorp Genetics (formerly Invitae), Labcorp
Classification: Uncertain significance. Last evaluated: 2022-03-10. Review status: criteria provided, single submitter. Criteria: Invitae Variant Classification Sherloc (09022015). Collection method: clinical testing. Allele origin: germline.
Comment: This sequence change replaces serine, which is neutral and polar, with leucine, which is neutral and non-polar, at codon 248 of the WHRN protein (p.Ser248Leu). This variant is present in population databases (rs141863996, gnomAD 0.007%). This variant has not been reported in the literature in individuals affected with WHRN-related conditions. ClinVar contains an entry for this variant (Variation ID: 1004838). Algorithms developed to predict the effect of missense changes on protein structure and function (SIFT, PolyPhen-2, Align-GVGD) all suggest that this variant is likely to be tolerated. In summary, the available evidence is currently insufficient to determine the role of this variant in disease. Therefore, it has been classified as a Variant of Uncertain Significance.